The following is an entry in ClinVar:

ClinVar aggregate classification (germline): Conflicting classifications of pathogenicity. Review status: criteria provided, conflicting classifications (1 of 4 stars). 6 submissions from 6 submitters: Uncertain significance (4); Likely benign (1). 1 of the submissions does not count toward it. Last evaluated 2025-11-03.

Conditions:
FAT1-related disorder. Also called: FAT1-related condition.
Inborn genetic diseases. Identifiers: MedGen C0950123, MeSH D030342.

Allele frequency attached by ClinVar (database versions not stated): gnomAD exomes 0.00018 and 0.00032; ExAC 0.00026; ESP Exome Variant Server 0.00031; gnomAD 0.00034 and 0.00035; TOPMed 0.00036.

Submissions (6):

Labcorp Genetics (formerly Invitae), Labcorp
Classification: Likely benign. Last evaluated: 2025-11-03. Review status: criteria provided, single submitter. Criteria: Invitae Variant Classification Sherloc (09022015). Collection method: clinical testing. Allele origin: germline.

Blueprint Genetics
Classification: Uncertain significance. Last evaluated: 2024-11-20. Review status: criteria provided, single submitter. Criteria: ACMG Guidelines, 2015. Collection method: clinical testing. Allele origin: germline.

CeGaT Center for Human Genetics Tuebingen
Classification: Uncertain significance. Last evaluated: 2022-12-01. Review status: criteria provided, single submitter. Criteria: CeGaT Center For Human Genetics Tuebingen Variant Classification Criteria Version 2. Collection method: clinical testing. Allele origin: germline. Affected: yes. Observed: 1 variant allele.
Comment: FAT1: PM2, BP4

Ambry Genetics
Classification: Uncertain significance for Inborn genetic diseases. Last evaluated: 2021-07-09. Review status: criteria provided, single submitter. Criteria: Ambry Variant Classification Scheme 2023. Collection method: clinical testing. Allele origin: germline.

GeneDx
Classification: Uncertain significance. Last evaluated: 2021-03-31. Review status: criteria provided, single submitter. Criteria: GeneDx Variant Classification Process June 2021. Collection method: clinical testing. Allele origin: germline. Affected: yes.
Comment: In silico analysis supports that this missense variant does not alter protein structure/function; Has not been previously published as pathogenic or benign to our knowledge

PreventionGenetics, part of Exact Sciences
Classification: Likely benign for FAT1-related condition. Last evaluated: 2022-12-19. Review status: no assertion criteria provided. Collection method: clinical testing. Allele origin: germline. Not counted in ClinVar's aggregate classification.
Comment: This variant is classified as likely benign based on ACMG/AMP sequence variant interpretation guidelines (Richards et al. 2015 PMID: 25741868, with internal and published modifications).

NM_005245.4(FAT1):c.10930G>A (p.Ala3644Thr)

Genes: FAT1 (FAT atypical cadherin 1; minus strand), LOC126807254 (BRD4-independent group 4 enhancer GRCh37_chr4:187524269-187525468; plus strand). Cytogenetic location: 4q35.2.
Variant type: single nucleotide variant.
Coding change: c.10930G>A on transcript NM_005245.4 (MANE Select); coding-DNA position 10930, G replaced by A.
Protein change: p.Ala3644Thr; replaces alanine 3644 with threonine.
Molecular consequence: missense variant.
Genome position (GRCh38, 1-based): chr4:186,603,596, C>T on the plus strand (G>A on the coding strand, the complement: FAT1 is on the minus strand). VCF-style: chr4-186603596-C-T. GRCh37 (hg19) VCF-style: chr4-187524750-C-T.
Other names: short protein forms A3644T.
Identifiers: ClinVar variation 1314420 (VCV001314420.33), dbSNP rs199663111, ClinGen allele CA3165225.